The following is an entry in ClinVar:

ClinVar aggregate classification (germline): Likely benign (1 of 4 stars; one submission).

Allele frequency attached by ClinVar (database versions not stated): TOPMed below 0.00001; ExAC 0.00001; gnomAD 0.00001; gnomAD exomes 0.00001.
gnomAD v4.1: 8 of 1,611,480 alleles (0.0005%); highest among the groups gnomAD compares: Middle Eastern, 0.033%; no homozygotes.

Submission:

CeGaT Center for Human Genetics Tuebingen
Classification: Likely benign. Last evaluated: 2024-06-01. Review status: criteria provided, single submitter. Criteria: CeGaT Center For Human Genetics Tuebingen Variant Classification Criteria Version 2. Collection method: clinical testing. Allele origin: germline. Affected: yes. Observed: 1 variant allele.
Comment: ASXL3: PM2:Supporting, BP4, BP7

NM_030632.3(ASXL3):c.666T>C (p.Thr222=)

Gene: ASXL3 (ASXL transcriptional regulator 3; plus strand). Cytogenetic location: 18q12.1.
Variant type: single nucleotide variant.
Coding change: c.666T>C on transcript NM_030632.3 (MANE Select); coding-DNA position 666, T replaced by C.
Protein change: p.Thr222=; no amino-acid change (threonine 222 retained).
Molecular consequence: synonymous variant.
Genome position (GRCh38, 1-based): chr18:33,671,817, T>C. VCF-style: chr18-33671817-T-C. GRCh37 (hg19) VCF-style: chr18-31251781-T-C.
Identifiers: ClinVar variation 3250791 (VCV003250791.18), dbSNP rs777349365.
Genomic context (GRCh38, chr18:33,671,817, plus strand): 5'-TAAAAATGGTGAAGCAGACAGTTCAGATAAAGAAATGAAACATGGGCAAAAATCTCCCAC[T>C]GGAAAACAAACAAGTCAGCACTTAAAACGATTAAAAAAGTCTGGTTTAGGTGAGTGTTTA-3'
Protein context (NP_085135.1, residues 212-232): KEMKHGQKSP[Thr222=]GKQTSQHLKR